The following is an entry in ClinVar:

NM_019892.6(INPP5E):c.1267T>C (p.Ser423Pro)

Gene: INPP5E (inositol polyphosphate-5-phosphatase E; minus strand). Cytogenetic location: 9q34.3.
Variant type: single nucleotide variant.
Coding change: c.1267T>C on transcript NM_019892.6 (MANE Select); coding-DNA position 1267, T replaced by C.
Protein change: p.Ser423Pro; replaces serine 423 with proline.
Molecular consequence: missense variant.
Genome position (GRCh38, 1-based): chr9:136,432,968, A>G on the plus strand (T>C on the coding strand, the complement: INPP5E is on the minus strand). VCF-style: chr9-136432968-A-G. GRCh37 (hg19) VCF-style: chr9-139327420-A-G.
Other names: c.1267T>C, p.Ser423Pro (NM_001318502.2); short protein forms S423P.
Identifiers: ClinVar variation 1065766 (VCV001065766.7), dbSNP rs2131608631, ClinGen allele CA375563791.

ClinVar aggregate classification (germline): Uncertain significance. Review status: criteria provided, multiple submitters, no conflicts (2 of 4 stars). 2 submissions from 2 submitters: Uncertain significance (2). Last evaluated 2022-10-13.

Conditions:
Joubert syndrome. Also called: JOUBERT-BOLTSHAUSER SYNDROME; Familial aplasia of the vermis. Identifiers: Orphanet 475, MedGen C5979921, MONDO:0018772.
Rod-cone dystrophy. Identifiers: MedGen C4551714, HP:0000510.

Allele frequency attached by ClinVar (database versions not stated): gnomAD exomes below 0.00001.
gnomAD v4.1: 1 of 1,613,140 alleles (0.000062%); highest among the groups gnomAD compares: Non-Finnish European, 0.000085%; no homozygotes.

Submissions (2):

Labcorp Genetics (formerly Invitae), Labcorp
Classification: Uncertain significance for Joubert syndrome. Last evaluated: 2022-10-13. Review status: criteria provided, single submitter. Criteria: Invitae Variant Classification Sherloc (09022015). Collection method: clinical testing. Allele origin: germline.
Comment: In summary, the available evidence is currently insufficient to determine the role of this variant in disease. Therefore, it has been classified as a Variant of Uncertain Significance. Advanced modeling of protein sequence and biophysical properties (such as structural, functional, and spatial information, amino acid conservation, physicochemical variation, residue mobility, and thermodynamic stability) performed at Invitae indicates that this missense variant is expected to disrupt INPP5E protein function. ClinVar contains an entry for this variant (Variation ID: 1065766). This missense change has been observed in individual(s) with clinical features of Joubert syndrome (Invitae). This variant is not present in population databases (gnomAD no frequency). This sequence change replaces serine, which is neutral and polar, with proline, which is neutral and non-polar, at codon 423 of the INPP5E protein (p.Ser423Pro).

Ocular Genomics Institute, Massachusetts Eye and Ear
Classification: Uncertain significance for Rod-cone dystrophy. Last evaluated: 2021-04-08. Review status: criteria provided, single submitter. Criteria: ACMG Guidelines, 2015. Collection method: research. Allele origin: germline. Affected: yes.
Comment: Through a review of available evidence we were able to apply the following criteria: PM2. Based on this evidence we have classified this variant as Variant of Uncertain Significance.